The following is an entry in ClinVar:

NM_001142800.2(EYS):c.8734C>T (p.Gln2912Ter)

Genes: EYS (EGF-like photoreceptor maintenance factor; minus strand), PHF3 (PHD finger protein 3; plus strand). Cytogenetic location: 6q12.
Variant type: single nucleotide variant.
Coding change: c.8734C>T on transcript NM_001142800.2 (MANE Select); coding-DNA position 8734, C replaced by T.
Protein change: p.Gln2912Ter; replaces glutamine 2912 with a stop codon.
Molecular consequence: nonsense. On other transcripts: 3 prime UTR variant (5).
Genome position (GRCh38, 1-based): chr6:63,721,297, G>A on the plus strand (C>T on the coding strand, the complement: EYS is on the minus strand). VCF-style: chr6-63721297-G-A. GRCh37 (hg19) VCF-style: chr6-64431193-G-A.
Other names: c.*7589G>A (NM_001290259.2, NM_001370348.2, NM_001370349.2 and 2 more transcripts); c.8797C>T, p.Gln2933Ter (NM_001292009.2); short protein forms Q2912*, Q2933*.
Identifiers: ClinVar variation 957091 (VCV000957091.12), dbSNP rs1561993938, ClinGen allele CA364384094.
Genomic context (GRCh38, chr6:63,721,297, plus strand): 5'-ATTGGTCAGGTATACATAAAGATTGGTGGAGGCAAAGATTATTCAAACAGGACACAGACT[G>A]GTTACATGTATTTCCAGCCCAATCTGGCAAACATCTGCAAGAAAAAGTTGTGCCATTTAC-3'

ClinVar aggregate classification (germline): Pathogenic/Likely pathogenic. Review status: criteria provided, multiple submitters, no conflicts (2 of 4 stars). 3 submissions from 3 submitters: Pathogenic (1); Likely pathogenic (2). Last evaluated 2025-06-18.

Conditions:
Retinitis pigmentosa 25 (RP25). Identifiers: Orphanet 791, MedGen C1864446, MONDO:0011272, OMIM 602772.

Submissions (3):

Natera, Inc.
Classification: Likely pathogenic for Retinitis pigmentosa type 25. Last evaluated: 2025-06-18. Review status: criteria provided, single submitter. Criteria: Natera Variant Classification Schema (03/2026). Collection method: clinical testing. Allele origin: germline.
Comment: The c.8734C>T variant in EYS is a nonsense variant predicted to introduce a stop codon at amino acid 2912. This variant is expected to result in nonsense mediated decay, truncation, or a dysfunctional protein product. This variant is rare in the general population with a frequency below the threshold expected for the associated phenotype(s). Given the available evidence, this variant is classified as Likely Pathogenic.

Baylor Genetics
Classification: Likely pathogenic for Retinitis pigmentosa 25. Last evaluated: 2024-01-16. Review status: criteria provided, single submitter. Criteria: ACMG Guidelines, 2015. Collection method: clinical testing. Allele origin: unknown.

Labcorp Genetics (formerly Invitae), Labcorp
Classification: Pathogenic. Last evaluated: 2023-02-26. Review status: criteria provided, single submitter. Criteria: Invitae Variant Classification Sherloc (09022015). Collection method: clinical testing. Allele origin: germline.
Comment: This variant has not been reported in the literature in individuals affected with EYS-related conditions. For these reasons, this variant has been classified as Pathogenic. This variant disrupts a region of the EYS protein in which other variant(s) (p.Tyr3135*) have been determined to be pathogenic (PMID: 18976725, 30337596). This suggests that this is a clinically significant region of the protein, and that variants that disrupt it are likely to be disease-causing. ClinVar contains an entry for this variant (Variation ID: 957091). This variant is not present in population databases (gnomAD no frequency). This sequence change creates a premature translational stop signal (p.Gln2912*) in the EYS gene. While this is not anticipated to result in nonsense mediated decay, it is expected to disrupt the last 233 amino acid(s) of the EYS protein.

Literature cited by the submitters: PubMed 18976725 (cited by Labcorp Genetics (formerly Invitae), Labcorp); PubMed 30337596 (cited by Labcorp Genetics (formerly Invitae), Labcorp).